The following is an entry in ClinVar:

NM_213655.5(WNK1):c.3269C>A (p.Pro1090His)

Gene: WNK1 (WNK lysine deficient protein kinase 1; plus strand). Cytogenetic location: 12p13.33.
Variant type: single nucleotide variant.
Coding change: c.3269C>A on transcript NM_213655.5 (MANE Plus Clinical); coding-DNA position 3269, C replaced by A.
Protein change: p.Pro1090His; replaces proline 1090 with histidine.
Molecular consequence: missense variant. On other transcripts: intron variant (2).
Genome position (GRCh38, 1-based): chr12:868,740, C>A. VCF-style: chr12-868740-C-A. GRCh37 (hg19) VCF-style: chr12-977906-C-A.
Other names: c.3014C>A, p.Pro1005His (NM_001184985.2); c.2140-2525C>A (NM_018979.4, NM_014823.3); short protein forms P1005H, P1090H.
Identifiers: ClinVar variation 2940556 (VCV002940556.3), dbSNP rs1951893710, ClinGen allele CA383341739.

ClinVar aggregate classification (germline): Uncertain significance (1 of 4 stars; one submission).

Conditions:
Neuropathy, hereditary sensory and autonomic, type 2A (HSAN2A). Also called: ACROOSTEOLYSIS, GIACCAI TYPE; ACROOSTEOLYSIS, NEUROGENIC; MORVAN DISEASE; NEUROPATHY, CONGENITAL SENSORY; NEUROPATHY, HEREDITARY SENSORY RADICULAR, AUTOSOMAL RECESSIVE; NEUROPATHY, HEREDITARY SENSORY, TYPE IIA. Identifiers: Orphanet 970, MedGen C2752089, MONDO:0024309, OMIM 201300.
Pseudohypoaldosteronism type 2C (PHA2C). Also called: Pseudohypoaldosteronism Type IIC. Identifiers: Orphanet 757, Orphanet 88940, MedGen C1840391, MONDO:0013778, OMIM 614492.

Submission:

Labcorp Genetics (formerly Invitae), Labcorp
Classification: Uncertain significance for Neuropathy, hereditary sensory and autonomic, type 2A; Pseudohypoaldosteronism type 2C. Last evaluated: 2024-11-11. Review status: criteria provided, single submitter. Criteria: Invitae Variant Classification Sherloc (09022015). Collection method: clinical testing. Allele origin: germline.
Comment: This sequence change replaces proline, which is neutral and non-polar, with histidine, which is basic and polar, at codon 1090 of the WNK1 protein (p.Pro1090His). This variant is not present in population databases (gnomAD no frequency). This variant has not been reported in the literature in individuals affected with WNK1-related conditions. ClinVar contains an entry for this variant (Variation ID: 2940556). Invitae Evidence Modeling of protein sequence and biophysical properties (such as structural, functional, and spatial information, amino acid conservation, physicochemical variation, residue mobility, and thermodynamic stability) indicates that this missense variant is not expected to disrupt WNK1 protein function with a negative predictive value of 95%. In summary, the available evidence is currently insufficient to determine the role of this variant in disease. Therefore, it has been classified as a Variant of Uncertain Significance.